The following is an entry in ClinVar:

NM_019892.6(INPP5E):c.577C>T (p.Pro193Ser)

Gene: INPP5E (inositol polyphosphate-5-phosphatase E; minus strand). Cytogenetic location: 9q34.3.
Variant type: single nucleotide variant.
Coding change: c.577C>T on transcript NM_019892.6 (MANE Select); coding-DNA position 577, C replaced by T.
Protein change: p.Pro193Ser; replaces proline 193 with serine.
Molecular consequence: missense variant.
Genome position (GRCh38, 1-based): chr9:136,438,843, G>A on the plus strand (C>T on the coding strand, the complement: INPP5E is on the minus strand). VCF-style: chr9-136438843-G-A. GRCh37 (hg19) VCF-style: chr9-139333295-G-A.
Other names: c.577C>T (NM_019892.5); c.577C>T, p.Pro193Ser (NM_001318502.2); short protein forms P193S.
Identifiers: ClinVar variation 2042689 (VCV002042689.2), dbSNP rs763409993, ClinGen allele CA5337133.

ClinVar aggregate classification (germline): Uncertain significance. Review status: criteria provided, multiple submitters, no conflicts (2 of 4 stars). 2 submissions from 2 submitters: Uncertain significance (2). Last evaluated 2026-01-06.

Conditions:
Joubert syndrome. Also called: Familial aplasia of the vermis; JOUBERT-BOLTSHAUSER SYNDROME. Identifiers: Orphanet 475, MedGen C5979921, MONDO:0018772.
INPP5E-related disorder. Also called: INPP5E-related condition.

Allele frequency attached by ClinVar (database versions not stated): gnomAD 0.00001; gnomAD exomes 0.00001; TOPMed 0.00002; ExAC 0.00007.

Submissions (2):

PreventionGenetics, part of Exact Sciences
Classification: Uncertain significance for INPP5E-related condition. Last evaluated: 2026-01-06. Review status: criteria provided, single submitter. Criteria: ACMG Guidelines, 2015. Collection method: clinical testing. Allele origin: germline.
Comment: The INPP5E c.577C>T variant is predicted to result in the amino acid substitution p.Pro193Ser. To our knowledge, this variant has not been reported in the literature. This variant is reported in 0.033% of alleles in individuals of Latino descent in gnomAD. At this time, the clinical significance of this variant is uncertain due to the absence of conclusive functional and genetic evidence.

Labcorp Genetics (formerly Invitae), Labcorp
Classification: Uncertain significance for Joubert syndrome. Last evaluated: 2022-06-29. Review status: criteria provided, single submitter. Criteria: Invitae Variant Classification Sherloc (09022015). Collection method: clinical testing. Allele origin: germline.
Comment: This sequence change replaces proline, which is neutral and non-polar, with serine, which is neutral and polar, at codon 193 of the INPP5E protein (p.Pro193Ser). This variant is present in population databases (rs763409993, gnomAD 0.03%). This variant has not been reported in the literature in individuals affected with INPP5E-related conditions. Advanced modeling of protein sequence and biophysical properties (such as structural, functional, and spatial information, amino acid conservation, physicochemical variation, residue mobility, and thermodynamic stability) performed at Invitae indicates that this missense variant is not expected to disrupt INPP5E protein function. In summary, the available evidence is currently insufficient to determine the role of this variant in disease. Therefore, it has been classified as a Variant of Uncertain Significance.